The following is an entry in ClinVar:

ClinVar aggregate classification (germline): Uncertain significance. Review status: criteria provided, multiple submitters, no conflicts (2 of 4 stars). 3 submissions from 3 submitters: Uncertain significance (3). Last evaluated 2025-12-02.

Conditions:
Hereditary cancer-predisposing syndrome. Also called: Tumor predisposition; Hereditary Cancer Syndrome; Neoplastic Syndromes, Hereditary; Hereditary neoplastic syndrome. Identifiers: Orphanet 140162, MedGen C0027672, MeSH D009386, MONDO:0015356.
Neurofibromatosis, type 2 (SWNV). Also called: BILATERAL ACOUSTIC NEUROFIBROMATOSIS; SCHWANNOMATOSIS, VESTIBULAR; NF2-Related Schwannomatosis. Identifiers: Orphanet 637, MedGen C0027832, MONDO:0007039, OMIM 101000. Disease mechanism: loss of function.

Submissions (3):

Ambry Genetics
Classification: Uncertain significance for Hereditary cancer-predisposing syndrome. Last evaluated: 2025-12-02. Review status: criteria provided, single submitter. Criteria: Ambry Variant Classification Scheme 2023. Collection method: clinical testing. Allele origin: germline.
Comment: The p.M216T variant (also known as c.647T>C), located in coding exon 7 of the NF2 gene, results from a T to C substitution at nucleotide position 647. The methionine at codon 216 is replaced by threonine, an amino acid with similar properties. This amino acid position is conserved. In addition, this alteration is predicted to be deleterious by in silico analysis. Based on the available evidence, the clinical significance of this variant remains unclear.

All of Us Research Program, National Institutes of Health
Classification: Uncertain significance for Neurofibromatosis, type 2. Last evaluated: 2023-11-30. Review status: criteria provided, single submitter. Criteria: ACMG Guidelines, 2015. Collection method: clinical testing. Allele origin: germline. Inheritance: Autosomal dominant inheritance. Observed: 1 variant allele, 1 heterozygote.
Comment: This study involves interpretation of variants in research participants for the purpose of population health screening. Participant phenotype was not available at the time of variant classification. Additional details can be found in publication PMID: 35346344, PMCID: PMC8962531

Labcorp Genetics (formerly Invitae), Labcorp
Classification: Uncertain significance for Neurofibromatosis, type 2. Last evaluated: 2019-09-09. Review status: criteria provided, single submitter. Criteria: Invitae Variant Classification Sherloc (09022015). Collection method: clinical testing. Allele origin: germline.
Comment: This variant has not been reported in the literature in individuals with NF2-related conditions. This sequence change replaces methionine with threonine at codon 216 of the NF2 protein (p.Met216Thr). The methionine residue is highly conserved and there is a moderate physicochemical difference between methionine and threonine. This variant is not present in population databases (ExAC no frequency). Algorithms developed to predict the effect of missense changes on protein structure and function (SIFT, PolyPhen-2, Align-GVGD) all suggest that this variant is likely to be disruptive, but these predictions have not been confirmed by published functional studies and their clinical significance is uncertain. In summary, the available evidence is currently insufficient to determine the role of this variant in disease. Therefore, it has been classified as a Variant of Uncertain Significance.

NM_000268.4(NF2):c.647T>C (p.Met216Thr)

Gene: NF2 (NF2, moesin-ezrin-radixin like (MERLIN) tumor suppressor; plus strand). Cytogenetic location: 22q12.2.
Variant type: single nucleotide variant.
Coding change: c.647T>C on transcript NM_000268.4 (MANE Select); coding-DNA position 647, T replaced by C.
Protein change: p.Met216Thr; replaces methionine 216 with threonine.
Molecular consequence: missense variant. On other transcripts: non-coding transcript variant (1), intron variant (1).
Genome position (GRCh38, 1-based): chr22:29,658,236, T>C. VCF-style: chr22-29658236-T-C. GRCh37 (hg19) VCF-style: chr22-30054225-T-C.
Other names: c.647T>C, p.Met216Thr (NM_016418.5, NM_181825.3, NM_181832.3); c.521T>C, p.Met174Thr (NM_181828.3); c.524T>C, p.Met175Thr (NM_181829.3); c.398T>C, p.Met133Thr (NM_181830.3, NM_181831.3); c.447+15951T>C (NM_181833.3); short protein forms M133T, M175T, M174T, M216T.
Identifiers: ClinVar variation 959120 (VCV000959120.12), dbSNP rs2066372172, ClinGen allele CA411143073.